The following is an entry in ClinVar:

ClinVar aggregate classification (germline): Conflicting classifications of pathogenicity. Review status: criteria provided, conflicting classifications (1 of 4 stars). 6 submissions from 6 submitters: Uncertain significance (2); Benign (1); Likely benign (2). 1 of the submissions does not count toward it. Last evaluated 2026-01-03.

Conditions:
Inborn genetic diseases. Identifiers: MedGen C0950123, MeSH D030342.
CHARGE syndrome (CHARGE). Also called: Coloboma, heart anomaly, choanal atresia, retardation, genital and ear anomalies; CHARGE association; Hall-Hittner syndrome; CHARGE ASSOCIATION--COLOBOMA, HEART ANOMALY, CHOANAL ATRESIA, RETARDATION, GENITAL AND EAR ANOMALIES; Hittner Hirsch Kreh syndrome. Identifiers: Orphanet 138, MedGen C0265354, MONDO:0008965.

Allele frequency attached by ClinVar (database versions not stated): gnomAD exomes 0.00004 and 0.00005; gnomAD 0.00005; TOPMed 0.00005; ExAC 0.00008.
gnomAD v4.1: 76 of 1,609,998 alleles (0.0047%); highest among the groups gnomAD compares: Middle Eastern, 0.049%; no homozygotes.

Submissions (6):

Labcorp Genetics (formerly Invitae), Labcorp
Classification: Benign for CHARGE syndrome. Last evaluated: 2026-01-03. Review status: criteria provided, single submitter. Criteria: Invitae Variant Classification Sherloc (09022015). Collection method: clinical testing. Allele origin: germline.

Blueprint Genetics
Classification: Likely benign. Last evaluated: 2021-10-14. Review status: criteria provided, single submitter. Criteria: ACMG Guidelines, 2015. Collection method: clinical testing. Allele origin: germline.

GeneDx
Classification: Likely benign. Last evaluated: 2021-02-24. Review status: criteria provided, single submitter. Criteria: GeneDx Variant Classification Process June 2021. Collection method: clinical testing. Allele origin: germline. Affected: yes.
Comment: This variant is associated with the following publications: (PMID: 33206719)

Ambry Genetics
Classification: Uncertain significance for Inborn genetic diseases. Last evaluated: 2017-09-06. Review status: criteria provided, single submitter. Criteria: Ambry Variant Classification Scheme 2023. Collection method: clinical testing. Allele origin: germline.
Comment: The p.G2786R variant (also known as c.8356G>A), located in coding exon 37 of the CHD7 gene, results from a G to A substitution at nucleotide position 8356. The glycine at codon 2786 is replaced by arginine, an amino acid with dissimilar properties. This amino acid position is not well conserved in available vertebrate species. In addition, this alteration is predicted to be deleterious by in silico analysis. Since supporting evidence is limited at this time, the clinical significance of this alteration remains unclear.

Genomic Diagnostic Laboratory, Division of Genomic Diagnostics, Children's Hospital of Philadelphia
Classification: Uncertain significance. Last evaluated: 2014-12-31. Review status: criteria provided, single submitter. Criteria: DGD Variant Analysis Guidelines. Collection method: clinical testing. Allele origin: unknown.

Gharavi Laboratory, Columbia University
Classification: Uncertain significance. Last evaluated: 2018-09-16. Review status: no assertion criteria provided. Criteria: ACMG Guidelines, 2015. Collection method: research. Allele origin: germline. Affected: no. Not counted in ClinVar's aggregate classification.

NM_017780.4(CHD7):c.8356G>A (p.Gly2786Arg)

Gene: CHD7 (chromodomain helicase DNA binding protein 7; plus strand). Cytogenetic location: 8q12.2.
Variant type: single nucleotide variant.
Coding change: c.8356G>A on transcript NM_017780.4 (MANE Select); coding-DNA position 8356, G replaced by A.
Protein change: p.Gly2786Arg; replaces glycine 2786 with arginine.
Molecular consequence: missense variant.
Genome position (GRCh38, 1-based): chr8:60,865,295, G>A. VCF-style: chr8-60865295-G-A. GRCh37 (hg19) VCF-style: chr8-61777854-G-A.
Other names: c.2209G>A, p.Gly737Arg (NM_001316690.1); short protein forms G2786R, G737R.
Identifiers: ClinVar variation 218746 (VCV000218746.12), dbSNP rs765315726, ClinGen allele CA249169.
Genomic context (GRCh38, chr8:60,865,295, plus strand): 5'-TCGCTCCAGCTGGCAGGCCTCATGGGCTTCCCTCCAGGACTGGCAACAGCTGCCACCGCC[G>A]GAGGCGATGCGAAGAACCCTGCTGCTGTGCTGCCCCTGATGCTGCCAGGAATGGCGGGCC-3'
Protein context (NP_060250.2, residues 2776-2796): PPGLATAATA[Gly2786Arg]GDAKNPAAVL